The following is an entry in ClinVar:

NC_000009.12:g.(?_130464091)_(130464187_?)del

Gene: ASS1 (argininosuccinate synthase 1; plus strand). Cytogenetic location: 9q34.11.
Variant type: Deletion.
Identifiers: ClinVar variation 583445 (VCV000583445.2).

ClinVar aggregate classification (germline): Pathogenic. Review status: criteria provided, single submitter (1 of 4 stars). 2 submissions from 1 submitter: Pathogenic (2). Last evaluated 2020-10-08.

Conditions:
Citrullinemia type I (CTNL1). Also called: ASS DEFICIENCY; argininosuccinate synthetase deficiency. Identifiers: Orphanet 247525, MedGen C4721769, MONDO:0008988, OMIM 215700.
Citrullinemia. Identifiers: Orphanet 187, MedGen C0175683, MONDO:0015991.

Submissions (2):

Labcorp Genetics (formerly Invitae), Labcorp
Classification: Pathogenic for Citrullinemia. Last evaluated: 2020-10-08. Review status: criteria provided, single submitter. Criteria: Invitae Variant Classification Sherloc (09022015). Collection method: clinical testing. Allele origin: germline.
Comment: This variant is an in-frame deletion of the genomic region encompassing exon 6 of the ASS1 gene. It preserves the integrity of the reading frame. A similar deletion of exon 6 has been reported in combination with another ASS1 variant in an individuals affected with citrullinemia (PMID: 2615645). A missense variant (p.Asp124Asn) that lies within exon 6 has been determined to be pathogenic (PMID: 16475226, 27287393). This suggests that deletion of this region of the ASS1 protein is causative of disease. For these reasons, this variant has been classified as Pathogenic.

Labcorp Genetics (formerly Invitae), Labcorp
Classification: Pathogenic for Citrullinemia type I. Last evaluated: 2018-03-20. Review status: criteria provided, single submitter. Criteria: Invitae Variant Classification Sherloc (09022015). Collection method: clinical testing. Allele origin: germline.
Comment: This variant is an in-frame deletion of the genomic region encompassing exon 6 of the ASS1 gene. It preserves the integrity of the reading frame. A similar deletion of exon 6 has been reported in combination with another ASS1 variant in an individuals affected with citrullinemia (PMID: 2615645). A missense variant (p.Asp124Asn) that lies within exon 6 has been determined to be pathogenic (PMID:Â¬â€  16475226,Â¬â€ 27287393). This suggests that deletion of this region of the ASS1 protein is causative of disease. For these reasons, this variant has been classified as Pathogenic.

Literature cited by the submitters: PubMed 2615645; PubMed 16475226; PubMed 27287393.